The following is an entry in ClinVar:

NM_015046.7(SETX):c.7967A>G (p.Asn2656Ser)

Gene: SETX (senataxin; minus strand). Cytogenetic location: 9q34.13.
Variant type: single nucleotide variant.
Coding change: c.7967A>G on transcript NM_015046.7 (MANE Select); coding-DNA position 7967, A replaced by G.
Protein change: p.Asn2656Ser; replaces asparagine 2656 with serine.
Molecular consequence: missense variant.
Genome position (GRCh38, 1-based): chr9:132,264,306, T>C on the plus strand (A>G on the coding strand, the complement: SETX is on the minus strand). VCF-style: chr9-132264306-T-C. GRCh37 (hg19) VCF-style: chr9-135139693-T-C.
Other names: c.7967A>G, p.Asn2656Ser (NM_001351527.2); c.8054A>G, p.Asn2685Ser (NM_001351528.2); short protein forms N2656S, N2685S.
Identifiers: ClinVar variation 993766 (VCV000993766.14), dbSNP rs745394467, ClinGen allele CA5296283.

ClinVar aggregate classification (germline): Conflicting classifications of pathogenicity. Review status: criteria provided, conflicting classifications (1 of 4 stars). 5 submissions from 4 submitters: Uncertain significance (2); Benign (1); Likely benign (2). Last evaluated 2024-08-26.

Conditions:
Inborn genetic diseases. Identifiers: MedGen C0950123, MeSH D030342.
Spinocerebellar ataxia, autosomal recessive, with axonal neuropathy 2 (SCAN2). Also called: Ataxia-ocular apraxia-2; Ataxia with Oculomotor Apraxia; Ataxia with Oculomotor Apraxia Type 2; ATAXIA-OCULOMOTOR APRAXIA 2. Identifiers: Orphanet 64753, MedGen C1853761, MONDO:0018996, OMIM 606002.
Amyotrophic lateral sclerosis type 4 (ALS4). Also called: NEURONOPATHY, DISTAL HEREDITARY MOTOR, WITH PYRAMIDAL FEATURES; AMYOTROPHIC LATERAL SCLEROSIS 4, JUVENILE. Identifiers: Orphanet 357043, MedGen C1865409, MONDO:0011223, OMIM 602433.

Allele frequency attached by ClinVar (database versions not stated): ExAC 0.00002; gnomAD 0.00002; gnomAD exomes 0.00002 and 0.00004; TOPMed 0.00004.
gnomAD v4.1: 55 of 1,614,032 alleles (0.0034%); highest among the groups gnomAD compares: Non-Finnish European, 0.0042%; no homozygotes.

Submissions (5):

Ambry Genetics
Classification: Uncertain significance for Inborn genetic diseases. Last evaluated: 2024-08-26. Review status: criteria provided, single submitter. Criteria: Ambry Variant Classification Scheme 2023. Collection method: clinical testing. Allele origin: germline.

Genome-Nilou Lab
Classification: Likely benign for Spinocerebellar ataxia, autosomal recessive, with axonal neuropathy 2. Last evaluated: 2023-02-08. Review status: criteria provided, single submitter. Criteria: ACMG Guidelines, 2015. Collection method: clinical testing. Allele origin: germline.

Genome-Nilou Lab
Classification: Likely benign for Amyotrophic lateral sclerosis type 4. Last evaluated: 2023-02-08. Review status: criteria provided, single submitter. Criteria: ACMG Guidelines, 2015. Collection method: clinical testing. Allele origin: germline.

Labcorp Genetics (formerly Invitae), Labcorp
Classification: Benign for Amyotrophic lateral sclerosis type 4; Spinocerebellar ataxia, autosomal recessive, with axonal neuropathy 2. Last evaluated: 2023-01-02. Review status: criteria provided, single submitter. Criteria: Invitae Variant Classification Sherloc (09022015). Collection method: clinical testing. Allele origin: germline.

ARUP Laboratories, Molecular Genetics and Genomics, ARUP Laboratories
Classification: Uncertain significance. Last evaluated: 2019-09-27. Review status: criteria provided, single submitter. Criteria: ARUP Molecular Germline Variant Investigation Process. Collection method: clinical testing. Allele origin: germline.
Comment: The SETX c.7967A>G; p.Asn2656Ser variant (rs745394467), to our knowledge, is not reported in the medical literature or gene specific databases. This variant is only observed on six alleles in the Genome Aggregation Database, indicating it is not a common polymorphism. The asparagine at codon 2656 is weakly conserved, and computational analyses (SIFT, PolyPhen-2) predict that this variant is tolerated. Due to limited information, the clinical significance of the p.Asn2656Ser variant is uncertain at this time.